The following is an entry in ClinVar:

ClinVar aggregate classification (germline): Uncertain significance (1 of 4 stars; one submission).

Conditions:
Hereditary cancer-predisposing syndrome. Also called: Hereditary neoplastic syndrome; Hereditary Cancer Syndrome; Neoplastic Syndromes, Hereditary; Tumor predisposition. Identifiers: Orphanet 140162, MedGen C0027672, MeSH D009386, MONDO:0015356.

Submission:

Ambry Genetics
Classification: Uncertain significance for Hereditary cancer-predisposing syndrome. Last evaluated: 2023-05-01. Review status: criteria provided, single submitter. Criteria: Ambry Variant Classification Scheme 2023. Collection method: clinical testing. Allele origin: germline.
Comment: The p.T754P variant (also known as c.2260A>C), located in coding exon 12 of the RET gene, results from an A to C substitution at nucleotide position 2260. The threonine at codon 754 is replaced by proline, an amino acid with highly similar properties. This amino acid position is conserved. In addition, this alteration is predicted to be deleterious by in silico analysis. Since supporting evidence is limited at this time, the clinical significance of this alteration remains unclear.

NM_020975.6(RET):c.2260A>C (p.Thr754Pro)

Gene: RET (ret proto-oncogene; plus strand). Cytogenetic location: 10q11.21.
Variant type: single nucleotide variant.
Coding change: c.2260A>C on transcript NM_020975.6 (MANE Select); coding-DNA position 2260, A replaced by C.
Protein change: p.Thr754Pro; replaces threonine 754 with proline.
Molecular consequence: missense variant.
Genome position (GRCh38, 1-based): chr10:43,116,707, A>C. VCF-style: chr10-43116707-A-C. GRCh37 (hg19) VCF-style: chr10-43612155-A-C.
Other names: c.2260A>C, p.Thr754Pro (NM_000323.2, NM_001406743.1, NM_001406744.1 and 4 more transcripts); c.1498A>C, p.Thr500Pro (NM_001355216.2); c.2131A>C, p.Thr711Pro (NM_001406761.1, NM_001406762.1, NM_001406764.1); c.2125A>C, p.Thr709Pro (NM_001406763.1, NM_001406765.1); c.1972A>C, p.Thr658Pro (NM_001406766.1, NM_001406767.1, NM_001406770.1); c.1996A>C, p.Thr666Pro (NM_001406768.1); c.1864A>C, p.Thr622Pro (NM_001406769.1, NM_001406772.1); c.1822A>C, p.Thr608Pro (NM_001406771.1, NM_001406773.1); and 10 more; short protein forms T359P, T500P, T622P, T754P, T271P, T455P, T608P, T319P.
Identifiers: ClinVar variation 2568354 (VCV002568354.2), dbSNP rs2132909061, ClinGen allele CA376554808.